The following is an entry in ClinVar:

ClinVar aggregate classification (germline): Uncertain significance (1 of 4 stars; one submission).

Conditions:
Encephalopathy, acute, infection-induced (herpes-specific), susceptibility to, 6. Also called: Herpes simplex encephalitis, susceptibility to, 4. Identifiers: Orphanet 1930, MedGen C3553869, MONDO:0013921, OMIM 614850.

Submission:

Labcorp Genetics (formerly Invitae), Labcorp
Classification: Uncertain significance for Encephalopathy, acute, infection-induced (herpes-specific), susceptibility to, 6. Last evaluated: 2023-10-13. Review status: criteria provided, single submitter. Criteria: Invitae Variant Classification Sherloc (09022015). Collection method: clinical testing. Allele origin: germline.
Comment: This sequence change replaces arginine, which is basic and polar, with proline, which is neutral and non-polar, at codon 123 of the TICAM1 protein (p.Arg123Pro). This variant is not present in population databases (gnomAD no frequency). This variant has not been reported in the literature in individuals affected with TICAM1-related conditions. ClinVar contains an entry for this variant (Variation ID: 1497078). An algorithm developed to predict the effect of missense changes on protein structure and function (PolyPhen-2) suggests that this variant is likely to be tolerated. In summary, the available evidence is currently insufficient to determine the role of this variant in disease. Therefore, it has been classified as a Variant of Uncertain Significance.

NM_182919.4(TICAM1):c.368G>C (p.Arg123Pro)

Gene: TICAM1 (TIR domain containing adaptor molecule 1; minus strand). Cytogenetic location: 19p13.3.
Variant type: single nucleotide variant.
Coding change: c.368G>C on transcript NM_182919.4 (MANE Select); coding-DNA position 368, G replaced by C.
Protein change: p.Arg123Pro; replaces arginine 123 with proline.
Molecular consequence: missense variant. On other transcripts: intron variant (1).
Genome position (GRCh38, 1-based): chr19:4,818,010, C>G on the plus strand (G>C on the coding strand, the complement: TICAM1 is on the minus strand). VCF-style: chr19-4818010-C-G. GRCh37 (hg19) VCF-style: chr19-4818022-C-G.
Other names: c.326G>C, p.Arg109Pro (NM_001385678.1); c.233G>C, p.Arg78Pro (NM_001385679.1); c.-71-204G>C (NM_001385680.1); short protein forms R109P, R123P, R78P.
Identifiers: ClinVar variation 1497078 (VCV001497078.8), dbSNP rs768611254, ClinGen allele CA403492816.